The following is an entry in ClinVar:

ClinVar aggregate classification (germline): Uncertain significance (1 of 4 stars; one submission).

Submission:

Labcorp Genetics (formerly Invitae), Labcorp
Classification: Uncertain significance. Last evaluated: 2025-01-25. Review status: criteria provided, single submitter. Criteria: Invitae Variant Classification Sherloc (09022015). Collection method: clinical testing. Allele origin: germline.
Comment: This sequence change replaces alanine, which is neutral and non-polar, with serine, which is neutral and polar, at codon 678 of the GRIA3 protein (p.Ala678Ser). This variant is not present in population databases (gnomAD no frequency). This variant has not been reported in the literature in individuals affected with GRIA3-related conditions. Invitae Evidence Modeling of protein sequence and biophysical properties (such as structural, functional, and spatial information, amino acid conservation, physicochemical variation, residue mobility, and thermodynamic stability) indicates that this missense variant is not expected to disrupt GRIA3 protein function with a negative predictive value of 80%. In summary, the available evidence is currently insufficient to determine the role of this variant in disease. Therefore, it has been classified as a Variant of Uncertain Significance.

NM_007325.5(GRIA3):c.2032G>T (p.Ala678Ser)

Gene: GRIA3 (glutamate ionotropic receptor AMPA type subunit 3; plus strand). Cytogenetic location: Xq25.
Variant type: single nucleotide variant.
Coding change: c.2032G>T on transcript NM_007325.5 (MANE Select); coding-DNA position 2032, G replaced by T.
Protein change: p.Ala678Ser; replaces alanine 678 with serine.
Molecular consequence: missense variant.
Genome position (GRCh38, 1-based): chrX:123,428,095, G>T. VCF-style: chrX-123428095-G-T. GRCh37 (hg19) VCF-style: chrX-122561946-G-T.
Other names: c.2032G>T, p.Ala678Ser (NM_000828.5); short protein forms A678S.
Identifiers: ClinVar variation 3665134 (VCV003665134.2).